The following is an entry in ClinVar:

NM_000037.4(ANK1):c.5298del (p.Glu1767fs)

Gene: ANK1 (ankyrin 1; minus strand). Cytogenetic location: 8p11.21.
Variant type: Deletion.
Coding change: c.5298del on transcript NM_000037.4 (MANE Select); coding-DNA position 5298, one base deleted (C; older notation c.5298delC).
Protein change: p.Glu1767fs; shifts the reading frame from glutamic acid 1767.
Molecular consequence: frameshift variant.
Genome position (GRCh38, 1-based): chr8:41,668,363, G deleted on the plus strand (C on the coding strand, the reverse complement: ANK1 is on the minus strand); the first of 3 consecutive G bases (chr8:41,668,363-41,668,365); deleting any one gives the same sequence. VCF-style (leftmost placement, unchanged base first): chr8-41668362-CG-C. GRCh37 (hg19) VCF-style: chr8-41525880-CG-C.
Other names: c.5421del, p.Glu1808fs (NM_001142446.2); c.5298del, p.Glu1767fs (NM_020475.3, NM_020476.3); c.4812del, p.Glu1605fs (NM_020477.3); short protein forms E1767fs, E1605fs, E1808fs.
Identifiers: ClinVar variation 2921189 (VCV002921189.1), dbSNP rs2487605887, ClinGen allele CA2739279681.
Genomic context (GRCh38, chr8:41,668,362, plus strand): 5'-GCACCTGCTCTTCTTGGCCTTGCTGCCTCCGGTCCCTGTCGGCCTGGGAGCTCTCAGCCT[CG>C]GGCTGTTCTGTCCACGTGTGCTCACTTACAGACACCAGGACCTTCTCGTACTCCTGAGAT-3'

ClinVar aggregate classification (germline): Pathogenic (1 of 4 stars; one submission).

Conditions:
Hereditary spherocytosis type 1. Also called: Spherocytosis type 1; ANK1-Related Spherocytosis. Identifiers: Orphanet 822, MedGen C2674218, MONDO:0008447, OMIM 182900.

Submission:

ARUP Laboratories, Molecular Genetics and Genomics, ARUP Laboratories
Classification: Pathogenic for Hereditary spherocytosis type 1. Last evaluated: 2023-06-30. Review status: criteria provided, single submitter. Criteria: ARUP Molecular Germline Variant Investigation Process 2024. Collection method: clinical testing. Allele origin: germline.
Comment: The ANK1 c.5298del; p.Glu1767Argfs*44 variant has not been reported in the medical literature or gene-specific databases. This variant is also absent from the Genome Aggregation Database, indicating it is not a common polymorphism. This variant causes a frameshift by deleting a single nucleotide, so it is predicted to result in a truncated protein or mRNA subject to nonsense-mediated decay. Based on available information, this variant is considered to be pathogenic.